The following is an entry in ClinVar:

NM_001286.5(CLCN6):c.1373-2A>G

Gene: CLCN6 (chloride voltage-gated channel 6; plus strand). Cytogenetic location: 1p36.22.
Variant type: single nucleotide variant.
Coding change: c.1373-2A>G on transcript NM_001286.5 (MANE Select); the canonical splice acceptor site of the intron before coding-DNA position 1373, A replaced by G.
Molecular consequence: splice acceptor variant.
Genome position (GRCh38, 1-based): chr1:11,833,875, A>G. VCF-style: chr1-11833875-A-G. GRCh37 (hg19) VCF-style: chr1-11893932-A-G.
Other names: c.1307-2A>G (NM_001256959.2).
Identifiers: ClinVar variation 3726758 (VCV003726758.2).

ClinVar aggregate classification (germline): Uncertain significance (1 of 4 stars; one submission).

Submission:

Labcorp Genetics (formerly Invitae), Labcorp
Classification: Uncertain significance. Last evaluated: 2024-12-16. Review status: criteria provided, single submitter. Criteria: Invitae Variant Classification Sherloc (09022015). Collection method: clinical testing. Allele origin: germline.
Comment: This sequence change affects an acceptor splice site in intron 14 of the CLCN6 gene. It is expected to disrupt RNA splicing. Variants that disrupt the donor or acceptor splice site typically lead to a loss of protein function (PMID: 16199547), however the current clinical and genetic evidence is not sufficient to establish whether loss-of-function variants in CLCN6 cause disease. This variant is not present in population databases (gnomAD no frequency). This variant has not been reported in the literature in individuals affected with CLCN6-related conditions. Algorithms developed to predict the effect of sequence changes on RNA splicing suggest that this variant may disrupt the consensus splice site. In summary, the available evidence is currently insufficient to determine the role of this variant in disease. Therefore, it has been classified as a Variant of Uncertain Significance.

Literature cited by the submitters: PubMed 16199547.